The following is an entry in ClinVar:

NM_001851.6(COL9A1):c.823G>C (p.Gly275Arg)

Gene: COL9A1 (collagen type IX alpha 1 chain; minus strand). Cytogenetic location: 6q13.
Variant type: single nucleotide variant.
Coding change: c.823G>C on transcript NM_001851.6 (MANE Select); coding-DNA position 823, G replaced by C.
Protein change: p.Gly275Arg; replaces glycine 275 with arginine.
Molecular consequence: missense variant. On other transcripts: non-coding transcript variant (1).
Genome position (GRCh38, 1-based): chr6:70,281,443, C>G on the plus strand (G>C on the coding strand, the complement: COL9A1 is on the minus strand). VCF-style: chr6-70281443-C-G. GRCh37 (hg19) VCF-style: chr6-70991146-C-G.
Other names: c.94G>C, p.Gly32Arg (NM_001377289.1, NM_001377290.1, NM_078485.4); c.823G>C, p.Gly275Arg (NM_001377291.1); short protein forms G275R, G32R.
Identifiers: ClinVar variation 1946560 (VCV001946560.2), dbSNP rs1256654477, ClinGen allele CA364666004.
Genomic context (GRCh38, chr6:70,281,443, plus strand): 5'-AACTTACGTCGATGCCATCGATGCCTGGAACTCCAGGGGGGCCCGGAGGCCCGGGAGGAC[C>G]CTGCTCACCCGGGGGACCTCTCTGGCAAAAATAGCAGACATAGGTTAGTGGAGCACATCG-3'
Protein context (NP_001842.3, residues 265-285): TDERGPPGEQ[Gly275Arg]PPGPPGPPGV

ClinVar aggregate classification (germline): Uncertain significance (1 of 4 stars; one submission).

Allele frequency attached by ClinVar (database versions not stated): TOPMed below 0.00001; gnomAD 0.00001.
gnomAD v4.1: 3 of 1,612,840 alleles (0.00019%); highest among the groups gnomAD compares: African/African-American, 0.0013%; no homozygotes.

Submission:

Labcorp Genetics (formerly Invitae), Labcorp
Classification: Uncertain significance. Last evaluated: 2022-01-17. Review status: criteria provided, single submitter. Criteria: Invitae Variant Classification Sherloc (09022015). Collection method: clinical testing. Allele origin: germline.
Comment: This sequence change replaces glycine, which is neutral and non-polar, with arginine, which is basic and polar, at codon 275 of the COL9A1 protein (p.Gly275Arg). This variant is not present in population databases (gnomAD no frequency). This variant has not been reported in the literature in individuals affected with COL9A1-related conditions. Advanced modeling of protein sequence and biophysical properties (such as structural, functional, and spatial information, amino acid conservation, physicochemical variation, residue mobility, and thermodynamic stability) performed at Invitae indicates that this missense variant is expected to disrupt COL9A1 protein function. In summary, the available evidence is currently insufficient to determine the role of this variant in disease. Therefore, it has been classified as a Variant of Uncertain Significance.